The following is an entry in ClinVar:

NM_018249.6(CDK5RAP2):c.1292A>G (p.Lys431Arg)

Gene: CDK5RAP2 (CDK5 regulatory subunit associated protein 2; minus strand). Cytogenetic location: 9q33.2.
Variant type: single nucleotide variant.
Coding change: c.1292A>G on transcript NM_018249.6 (MANE Select); coding-DNA position 1292, A replaced by G.
Protein change: p.Lys431Arg; replaces lysine 431 with arginine.
Molecular consequence: missense variant. On other transcripts: non-coding transcript variant (5).
Genome position (GRCh38, 1-based): chr9:120,518,446, T>C on the plus strand (A>G on the coding strand, the complement: CDK5RAP2 is on the minus strand). VCF-style: chr9-120518446-T-C. GRCh37 (hg19) VCF-style: chr9-123280724-T-C.
Other names: c.1292A>G, p.Lys431Arg (NM_001011649.3, NM_001272039.2, NM_001410992.1 and 2 more transcripts); short protein forms K431R.
Identifiers: ClinVar variation 2997373 (VCV002997373.3), dbSNP rs773689481, ClinGen allele CA5214453.

ClinVar aggregate classification (germline): Uncertain significance (1 of 4 stars; one submission).

Allele frequency attached by ClinVar (database versions not stated): ExAC 0.00001; gnomAD exomes 0.00001; TOPMed below 0.00001.
gnomAD v4.1: 9 of 1,613,606 alleles (0.00056%); highest among the groups gnomAD compares: Non-Finnish European, 0.00051%; no homozygotes.

Submission:

Labcorp Genetics (formerly Invitae), Labcorp
Classification: Uncertain significance. Last evaluated: 2025-09-02. Review status: criteria provided, single submitter. Criteria: Invitae Variant Classification Sherloc (09022015). Collection method: clinical testing. Allele origin: germline.
Comment: This sequence change replaces lysine, which is basic and polar, with arginine, which is basic and polar, at codon 431 of the CDK5RAP2 protein (p.Lys431Arg). This variant is present in population databases (rs773689481, gnomAD 0.003%). This variant has not been reported in the literature in individuals affected with CDK5RAP2-related conditions. ClinVar contains an entry for this variant (Variation ID: 2997373). An algorithm developed to predict the effect of missense changes on protein structure and function outputs the following: PolyPhen-2: "Benign". The arginine amino acid residue is found in multiple mammalian species, which suggests that this missense change does not adversely affect protein function. In summary, the available evidence is currently insufficient to determine the role of this variant in disease. Therefore, it has been classified as a Variant of Uncertain Significance.